The following is an entry in ClinVar:

NM_152703.5(SAMD9L):c.3736T>C (p.Cys1246Arg)

Gene: SAMD9L (sterile alpha motif domain containing 9 like; minus strand). Cytogenetic location: 7q21.2.
Variant type: single nucleotide variant.
Coding change: c.3736T>C on transcript NM_152703.5 (MANE Select); coding-DNA position 3736, T replaced by C.
Protein change: p.Cys1246Arg; replaces cysteine 1246 with arginine.
Molecular consequence: missense variant.
Genome position (GRCh38, 1-based): chr7:93,132,236, A>G on the plus strand (T>C on the coding strand, the complement: SAMD9L is on the minus strand). VCF-style: chr7-93132236-A-G. GRCh37 (hg19) VCF-style: chr7-92761549-A-G.
Other names: c.3736T>C, p.Cys1246Arg (NM_001303496.3, NM_001303497.3, NM_001303498.3 and 5 more transcripts); short protein forms C1246R.
Identifiers: ClinVar variation 3949841 (VCV003949841.1).

ClinVar aggregate classification (germline): Uncertain significance (1 of 4 stars; one submission).

Conditions:
Inborn genetic diseases. Identifiers: MedGen C0950123, MeSH D030342.

gnomAD v4.1: 2 of 1,613,752 alleles (0.00012%); highest among the groups gnomAD compares: Non-Finnish European, 0.00017%; no homozygotes.

Submission:

Ambry Genetics
Classification: Uncertain significance for Inborn genetic diseases. Last evaluated: 2025-04-13. Review status: criteria provided, single submitter. Criteria: Ambry Variant Classification Scheme 2023. Collection method: clinical testing. Allele origin: germline.
Comment: The p.C1246R variant (also known as c.3736T>C), located in coding exon 1 of the SAMD9L gene, results from a T to C substitution at nucleotide position 3736. The cysteine at codon 1246 is replaced by arginine, an amino acid with highly dissimilar properties. This amino acid position is conserved. In addition, this alteration is predicted to be tolerated by in silico analysis. Based on the available evidence, the clinical significance of this variant remains unclear.